The following is an entry in ClinVar:

ClinVar aggregate classification (germline): Pathogenic (1 of 4 stars; one submission).

Submission:

Labcorp Genetics (formerly Invitae), Labcorp
Classification: Pathogenic. Last evaluated: 2020-07-27. Review status: criteria provided, single submitter. Criteria: Invitae Variant Classification Sherloc (09022015). Collection method: clinical testing. Allele origin: germline.
Comment: Algorithms developed to predict the effect of sequence changes on RNA splicing suggest that this variant may disrupt the consensus splice site, but this prediction has not been confirmed by published transcriptional studies. This sequence change affects an acceptor splice site in intron 5 of the FH gene. It is expected to disrupt RNA splicing and likely results in an absent or disrupted protein product. This variant is not present in population databases (ExAC no frequency). Disruption of this splice site has been observed in individual(s) with leiomyomas, uterine fibroids and renal cell cancer (Invitae). Donor and acceptor splice site variants typically lead to a loss of protein function (PMID: 16199547), and loss-of-function variants in FH are known to be pathogenic (PMID: 11865300, 21398687). For these reasons, this variant has been classified as Pathogenic.

Literature cited by the submitters: PubMed 16199547; PubMed 11865300; PubMed 21398687.

NM_000143.4(FH):c.739-2A>C

Gene: FH (fumarate hydratase; minus strand). Cytogenetic location: 1q43.
Variant type: single nucleotide variant.
Coding change: c.739-2A>C on transcript NM_000143.4 (MANE Select); the canonical splice acceptor site of the intron before coding-DNA position 739, A replaced by C.
Molecular consequence: splice acceptor variant.
Genome position (GRCh38, 1-based): chr1:241,506,170, T>G on the plus strand (A>C on the coding strand, the complement: FH is on the minus strand). VCF-style: chr1-241506170-T-G. GRCh37 (hg19) VCF-style: chr1-241669470-T-G.
Identifiers: ClinVar variation 460377 (VCV000460377.9), dbSNP rs1553341174, ClinGen allele CA345439135.